The following is an entry in ClinVar:

NM_198253.3(TERT):c.2616G>C (p.Leu872Phe)

Gene: TERT (telomerase reverse transcriptase; minus strand). Cytogenetic location: 5p15.33.
Variant type: single nucleotide variant.
Coding change: c.2616G>C on transcript NM_198253.3 (MANE Select); coding-DNA position 2616, G replaced by C.
Protein change: p.Leu872Phe; replaces leucine 872 with phenylalanine.
Molecular consequence: missense variant. On other transcripts: non-coding transcript variant (2).
Genome position (GRCh38, 1-based): chr5:1,266,502, C>G on the plus strand (G>C on the coding strand, the complement: TERT is on the minus strand). VCF-style: chr5-1266502-C-G. GRCh37 (hg19) VCF-style: chr5-1266617-C-G.
Other names: c.2616G>C, p.Leu872Phe (NM_001193376.3); short protein forms L872F.
Identifiers: ClinVar variation 572528 (VCV000572528.9), dbSNP rs1561194081, ClinGen allele CA359073224.
Genomic context (GRCh38, chr5:1,266,502, plus strand): 5'-AGACACACGGCACGGGCCTCACCTGAGGAAGGTTTTCGCGTGGGTGAGGTGAGGTGTCAC[C>G]AACAAGAAATCATCCACCAAACGCAGGAGCAGCCTAAAATAAGGGAAAATACACAGCAAG-3'
Protein context (NP_937983.2, residues 862-882): LLLRLVDDFL[Leu872Phe]VTPHLTHAKT

ClinVar aggregate classification (germline): Uncertain significance (1 of 4 stars; one submission).

Conditions:
Idiopathic Pulmonary Fibrosis. Also called: Idiopathic fibrosing alveolitis, chronic form; idiopathic fibrosing alveolitis. Identifiers: Orphanet 2032, MedGen C1800706, MeSH D054990, MONDO:0800504.
Dyskeratosis congenita, autosomal dominant 2. Identifiers: MedGen C3151443, MONDO:0013521, OMIM 613989.

Submission:

Labcorp Genetics (formerly Invitae), Labcorp
Classification: Uncertain significance for Dyskeratosis congenita, autosomal dominant 2; Idiopathic Pulmonary Fibrosis. Last evaluated: 2018-04-27. Review status: criteria provided, single submitter. Criteria: Invitae Variant Classification Sherloc (09022015). Collection method: clinical testing. Allele origin: germline.
Comment: Algorithms developed to predict the effect of missense changes on protein structure and function do not agree on the potential impact of this missense change (SIFT: "Tolerated"; PolyPhen-2: "Probably Damaging"; Align-GVGD: "Class C0"). This variant has not been reported in the literature in individuals with TERT-related disease. This variant is not present in population databases (ExAC no frequency). This sequence change replaces leucine with phenylalanine at codon 872 of the TERT protein (p.Leu872Phe). The leucine residue is highly conserved and there is a small physicochemical difference between leucine and phenylalanine. In summary, the available evidence is currently insufficient to determine the role of this variant in disease. Therefore, it has been classified as a Variant of Uncertain Significance.